The following is an entry in ClinVar:

ClinVar aggregate classification (germline): Uncertain significance (1 of 4 stars; one submission).

Conditions:
Hereditary breast ovarian cancer syndrome. Also called: Hereditary breast and ovarian cancer syndrome; Hereditary breast and ovarian cancer syndrome (HBOC); BRCA1- and BRCA2-Associated Hereditary Breast and Ovarian Cancer; Hereditary breast and ovarian cancer; Breast and ovarian cancer; Hereditary breast and/or ovarian cancer syndrome. Identifiers: Orphanet 145, MedGen C0677776, MeSH D061325, MONDO:0003582. Disease mechanism: loss of function.

Submission:

Labcorp Genetics (formerly Invitae), Labcorp
Classification: Uncertain significance for Hereditary breast ovarian cancer syndrome. Last evaluated: 2023-10-20. Review status: criteria provided, single submitter. Criteria: Invitae Variant Classification Sherloc (09022015). Collection method: clinical testing. Allele origin: germline.
Comment: This variant, c.4974_4982del, results in the deletion of 3 amino acid(s) of the BRCA1 protein (p.Pro1659_Glu1661del), but otherwise preserves the integrity of the reading frame. This variant is not present in population databases (gnomAD no frequency). This variant has not been reported in the literature in individuals affected with BRCA1-related conditions. Experimental studies and prediction algorithms are not available or were not evaluated, and the functional significance of this variant is currently unknown. In summary, the available evidence is currently insufficient to determine the role of this variant in disease. Therefore, it has been classified as a Variant of Uncertain Significance.

NM_007294.4(BRCA1):c.4974_4982del (p.Pro1659_Glu1661del)

Gene: BRCA1 (BRCA1 DNA repair associated; minus strand). Cytogenetic location: 17q21.31.
Variant type: Deletion.
Coding change: c.4974_4982del on transcript NM_007294.4 (MANE Select); coding-DNA positions 4974 to 4982, 9 bases deleted (CCCAGAAGA; older notation c.4974_4982delCCCAGAAGA).
Protein change: p.Pro1659_Glu1661del.
Molecular consequence: inframe deletion. On other transcripts: inframe indel (1), intron variant (1).
Genome position (GRCh38, 1-based): chr17:43,070,932-43,070,940, TCTTCTGGG deleted on the plus strand (CCCAGAAGA on the coding strand, the reverse complement: BRCA1 is on the minus strand). VCF-style (leftmost placement, unchanged base first): chr17-43070931-TTCTTCTGGG-T. GRCh37 (hg19) VCF-style: chr17-41222948-TTCTTCTGGG-T.
Other names: c.4890_4898del, p.Pro1631_Glu1633del (NM_001407661.1, NM_001407662.1, NM_001407663.1 and 2 more transcripts); c.4851_4859del, p.Pro1618_Glu1620del (NM_001407664.1, NM_001407665.1, NM_001407666.1 and 6 more transcripts); c.4848_4856del, p.Pro1617_Glu1619del (NM_001407670.1, NM_001407671.1, NM_001407672.1 and 11 more transcripts); c.4833_4841del, p.Pro1612_Glu1614del (NM_001407942.1, NM_007297.4, NM_001407692.1 and 13 more transcripts); c.4830_4838del, p.Pro1611_Glu1613del (NM_001407943.1, NM_001407944.1, NM_001407945.1 and 21 more transcripts); c.4641_4649del, p.Pro1548_Glu1550del (NM_001407946.1, NM_001407947.1, NM_001407948.1 and 1 more transcripts); c.4638_4646del, p.Pro1547_Glu1549del (NM_001407950.1, NM_001407951.1, NM_001407952.1 and 3 more transcripts); c.4635_4643del, p.Pro1546_Glu1548del (NM_001407956.1, NM_001407957.1, NM_001407958.1); and 72 more.
Identifiers: ClinVar variation 2770215 (VCV002770215.3), dbSNP rs2550787908, ClinGen allele CA2697559918.